The following is an entry in ClinVar:

ClinVar aggregate classification (germline): Pathogenic (1 of 4 stars; one submission).

Conditions:
Hereditary breast ovarian cancer syndrome. Also called: Hereditary breast and ovarian cancer; Hereditary breast and ovarian cancer syndrome (HBOC); Breast and ovarian cancer; Hereditary breast and ovarian cancer syndrome; Hereditary breast and/or ovarian cancer syndrome; BRCA1- and BRCA2-Associated Hereditary Breast and Ovarian Cancer. Identifiers: Orphanet 145, MedGen C0677776, MeSH D061325, MONDO:0003582. Disease mechanism: loss of function.

Submission:

Labcorp Genetics (formerly Invitae), Labcorp
Classification: Pathogenic for Hereditary breast ovarian cancer syndrome. Last evaluated: 2021-07-27. Review status: criteria provided, single submitter. Criteria: Invitae Variant Classification Sherloc (09022015). Collection method: clinical testing. Allele origin: germline.
Comment: This sequence change inserts a large fragment of DNA, likely a transposable element, in exon 11 of the BRCA2 gene (c.4426_4427ins?), causing a frameshift at codon 1476 (p.Asp1476fs). The exact size and sequence of the insertion cannot be determined by the current assay. However, the insertion is expected to result in an absent or disrupted protein product. For these reasons, this variant has been classified as Pathogenic. Retrotransposon insertions including LINE1 (L1), Alu, and SVA (SINE-VNTR-Alu) have been reported to be disease-causing through disruption of either a coding region or splice site (PMID: 19763152, 20307669, 22406018) and loss-of-function variants in BRCA2 are known to be pathogenic (PMID: 20104584). Algorithms developed to predict the effect of sequence changes on RNA splicing suggest that this variant may create or strengthen a splice site. This variant has not been reported in the literature in individuals affected with BRCA2-related conditions. This variant is not present in population databases (ExAC no frequency).

Literature cited by the submitters: PubMed 19763152; PubMed 20307669; PubMed 22406018; PubMed 20104584.

NM_000059.4(BRCA2):c.4426_4427insGCCGGGCGCGGTGGCTCACGCCTGTAATCCCAGCACTTTGGGAGGCCGAAGCGGGCGGATCACAAGGTCAGGAGNNNNNNNNNNAAAAAAAAAAAAAAAAAAAAAAGAAAGAACAAAATGG (p.Asp1476fs)

Gene: BRCA2 (BRCA2 DNA repair associated; plus strand). Cytogenetic location: 13q13.1.
Variant type: Microsatellite.
Coding change: c.4426_4427insGCCGGGCGCGGTGGCTCACGCCTGTAATCCCAGCACTTTGGGAGGCCGAAGCGGGCGGATCACAAGGTCAGGAGNNNNNNNNNNAAAAAAAAAAAAAAAAAAAAAAGAAAGAACAAAATGG on transcript NM_000059.4 (MANE Select); coding-DNA positions 4426 to 4427, GCCGGGCGCGGTGGCTCACGCCTGTAATCCCAGCACTTTGGGAGGCCGAAGCGGGCGGATCACAAGGTCAGGAGNNNNNNNNNNAAAAAAAAAAAAAAAAAAAAAAGAAAGAACAAAATGG inserted.
Protein change: p.Asp1476fs; shifts the reading frame from aspartic acid 1476.
Molecular consequence: frameshift variant.
Genome position: GRCh38: chr13:32,338,765-32,338,781. GRCh37 (hg19): chr13:32,912,902-32,912,918.
Other names: short protein forms D1476fs.
Identifiers: ClinVar variation 1452473 (VCV001452473.7).